The following is an entry in ClinVar:

ClinVar aggregate classification (germline): Uncertain significance (1 of 4 stars; one submission).

gnomAD v4.1: 9 of 1,613,148 alleles (0.00056%); highest among the groups gnomAD compares: South Asian, 0.0044%; no homozygotes.

Submission:

Labcorp Genetics (formerly Invitae), Labcorp
Classification: Uncertain significance. Last evaluated: 2024-09-19. Review status: criteria provided, single submitter. Criteria: Invitae Variant Classification Sherloc (09022015). Collection method: clinical testing. Allele origin: germline.
Comment: This sequence change replaces proline, which is neutral and non-polar, with threonine, which is neutral and polar, at codon 154 of the DSG1 protein (p.Pro154Thr). This variant is present in population databases (rs371978779, gnomAD 0.003%). This variant has not been reported in the literature in individuals affected with DSG1-related conditions. ClinVar contains an entry for this variant (Variation ID: 1431626). Invitae Evidence Modeling of protein sequence and biophysical properties (such as structural, functional, and spatial information, amino acid conservation, physicochemical variation, residue mobility, and thermodynamic stability) indicates that this missense variant is not expected to disrupt DSG1 protein function with a negative predictive value of 80%. In summary, the available evidence is currently insufficient to determine the role of this variant in disease. Therefore, it has been classified as a Variant of Uncertain Significance.

NM_001942.4(DSG1):c.460C>A (p.Pro154Thr)

Gene: DSG1 (desmoglein 1; plus strand). Cytogenetic location: 18q12.1.
Variant type: single nucleotide variant.
Coding change: c.460C>A on transcript NM_001942.4 (MANE Select); coding-DNA position 460, C replaced by A.
Protein change: p.Pro154Thr; replaces proline 154 with threonine.
Molecular consequence: missense variant.
Genome position (GRCh38, 1-based): chr18:31,329,979, C>A. VCF-style: chr18-31329979-C-A. GRCh37 (hg19) VCF-style: chr18-28909942-C-A.
Other names: short protein forms P154T.
Identifiers: ClinVar variation 1431626 (VCV001431626.8), dbSNP rs371978779, ClinGen allele CA8925848.
Genomic context (GRCh38, chr18:31,329,979, plus strand): 5'-GGCCAAGATTTAGAGAGGCCTCTAGAGCTCAGAGTCAGGGTTTTGGATATAAATGACAAC[C>A]CTCCAGTGTTTTCAATGGCTACATTTGCAGGACAAATAGAAGAAAATTCTAATGCAAGTA-3'
Protein context (NP_001933.2, residues 144-164): RVRVLDINDN[Pro154Thr]PVFSMATFAG